The following is an entry in ClinVar:

ClinVar aggregate classification (germline): Pathogenic (1 of 4 stars; one submission).

Conditions:
Chédiak-Higashi syndrome (CHS). Also called: Chediak-Higashi Syndrome. Identifiers: Orphanet 167, MedGen C0007965, MONDO:0008963, OMIM 214500.

Submission:

Labcorp Genetics (formerly Invitae), Labcorp
Classification: Pathogenic for Chédiak-Higashi syndrome. Last evaluated: 2023-03-26. Review status: criteria provided, single submitter. Criteria: Invitae Variant Classification Sherloc (09022015). Collection method: clinical testing. Allele origin: germline.
Comment: For these reasons, this variant has been classified as Pathogenic. This sequence change creates a premature translational stop signal (p.Ser312Leufs*11) in the LYST gene. It is expected to result in an absent or disrupted protein product. Loss-of-function variants in LYST are known to be pathogenic (PMID: 9215679, 11857544). This variant is not present in population databases (gnomAD no frequency). This variant has not been reported in the literature in individuals affected with LYST-related conditions.

Literature cited by the submitters: PubMed 9215679; PubMed 11857544.

NM_000081.4(LYST):c.934del (p.Ser312fs)

Gene: LYST (lysosomal trafficking regulator; minus strand). Cytogenetic location: 1q42.3.
Variant type: Deletion.
Coding change: c.934del on transcript NM_000081.4 (MANE Select); coding-DNA position 934, one base deleted (T; older notation c.934delT).
Protein change: p.Ser312fs; shifts the reading frame from serine 312.
Molecular consequence: frameshift variant.
Genome position (GRCh38, 1-based): chr1:235,809,884, A deleted on the plus strand (T on the coding strand, the reverse complement: LYST is on the minus strand); the first of 3 consecutive A bases (chr1:235,809,884-235,809,886); deleting any one gives the same sequence. VCF-style (leftmost placement, unchanged base first): chr1-235809883-GA-G. GRCh37 (hg19) VCF-style: chr1-235973183-GA-G.
Other names: c.934del, p.Ser312fs (NM_001301365.1); short protein forms S312fs.
Identifiers: ClinVar variation 2849646 (VCV002849646.3), dbSNP rs2527122910, ClinGen allele CA2739274002.
Genomic context (GRCh38, chr1:235,809,883, plus strand): 5'-AACACTGTTCGAAAGAGCATCCTTTGAATCAAAGCCACCGGTTCTTCGGTCCAACCTGCA[GA>G]AACTACTCGACTCTCCAAGTTGTCGCTCAGACTGCAGCAGTCCCCAAAGCCTGCTAGGAA-3'